The following is an entry in ClinVar:

NM_000171.4(GLRA1):c.324C>T (p.Asp108=)

Gene: GLRA1 (glycine receptor alpha 1; minus strand). Cytogenetic location: 5q33.1.
Variant type: single nucleotide variant.
Coding change: c.324C>T on transcript NM_000171.4 (MANE Select); coding-DNA position 324, C replaced by T.
Protein change: p.Asp108=; no amino-acid change (aspartic acid 108 retained).
Molecular consequence: synonymous variant.
Genome position (GRCh38, 1-based): chr5:151,859,937, G>A on the plus strand (C>T on the coding strand, the complement: GLRA1 is on the minus strand). VCF-style: chr5-151859937-G-A. GRCh37 (hg19) VCF-style: chr5-151239498-G-A.
Other names: c.324C>T, p.Asp108= (NM_001146040.2); c.75C>T, p.Asp25= (NM_001292000.2).
Identifiers: ClinVar variation 907752 (VCV000907752.13), dbSNP rs762489154, ClinGen allele CA3523714.
Genomic context (GRCh38, chr5:151,859,937, plus strand): 5'-AAAGAACAGGTCAGGTTTCCAGATGGAGTCCAGCATGGATGGGTCCAGGTCCAGAGAGTC[G>A]TCAGGGTATTCATTATAGGCCAGGCGGGGGTCGTTCCATTGCTGCCGCAGGAAGATGTTG-3'
Protein context (NP_000162.2, residues 98-118): DPRLAYNEYP[Asp108=]DSLDLDPSML

ClinVar aggregate classification (germline): Benign/Likely benign. Review status: criteria provided, multiple submitters, no conflicts (2 of 4 stars). 3 submissions from 3 submitters: Benign (1); Likely benign (2). Last evaluated 2025-09-24.

Conditions:
Hyperekplexia 1 (STHE). Also called: STARTLE DISEASE, FAMILIAL; STIFF-BABY SYNDROME; STIFF-MAN SYNDROME, CONGENITAL; STIFF-PERSON SYNDROME, CONGENITAL; EXAGGERATED STARTLE REACTION; HYPEREKPLEXIA 1, AUTOSOMAL DOMINANT. Identifiers: Orphanet 3197, MedGen C4551954, MONDO:0007868, OMIM 149400.
Hereditary hyperekplexia. Identifiers: Orphanet 3197, MedGen C4084968, MONDO:0021022.

Allele frequency attached by ClinVar (database versions not stated): gnomAD 0.00006; TOPMed 0.00006; ExAC 0.00007; gnomAD exomes 0.00007 and 0.00009.
gnomAD v4.1: 119 of 1,613,954 alleles (0.0074%); highest among the groups gnomAD compares: East Asian, 0.033%; no homozygotes.

Submissions (3):

Labcorp Genetics (formerly Invitae), Labcorp
Classification: Likely benign for Hereditary hyperekplexia. Last evaluated: 2025-09-24. Review status: criteria provided, single submitter. Criteria: Invitae Variant Classification Sherloc (09022015). Collection method: clinical testing. Allele origin: germline.

Blueprint Genetics
Classification: Likely benign. Last evaluated: 2024-04-02. Review status: criteria provided, single submitter. Criteria: ACMG Guidelines, 2015. Collection method: clinical testing. Allele origin: germline.

Illumina Laboratory Services, Illumina
Classification: Benign for Hyperekplexia 1. Last evaluated: 2018-01-12. Review status: criteria provided, single submitter. Criteria: ICSL Variant Classification Criteria 13 December 2019. Collection method: clinical testing. Allele origin: germline.
Comment: This variant was observed in the ICSL laboratory as part of a predisposition screen in an ostensibly healthy population. It had not been previously curated by ICSL or reported in the Human Gene Mutation Database (HGMD: prior to June 1st, 2018), and was therefore a candidate for classification through an automated scoring system. Utilizing variant allele frequency, disease prevalence and penetrance estimates, and inheritance mode, an automated score was calculated to assess if this variant is too frequent to cause the disease. Based on the score and internal cut-off values, a variant classified as benign is not then subjected to further curation. The score for this variant resulted in a classification of benign for this disease.